The following is an entry in ClinVar:

NM_001267550.2(TTN):c.10244C>T (p.Thr3415Met)

Gene: TTN (titin; minus strand). Cytogenetic location: 2q31.2.
Variant type: single nucleotide variant.
Coding change: c.10244C>T on transcript NM_001267550.2 (MANE Select); coding-DNA position 10244, C replaced by T.
Protein change: p.Thr3415Met; replaces threonine 3415 with methionine.
Molecular consequence: missense variant.
Genome position (GRCh38, 1-based): chr2:178,759,043, G>A on the plus strand (C>T on the coding strand, the complement: TTN is on the minus strand). VCF-style: chr2-178759043-G-A. GRCh37 (hg19) VCF-style: chr2-179623770-G-A.
Other names: c.10106C>T, p.Thr3369Met (NM_003319.4, NM_133432.3, NM_133437.4); c.10244C>T, p.Thr3415Met (NM_133378.4, NM_133379.5, NM_001256850.1); short protein forms T3415M, T3369M.
Identifiers: ClinVar variation 512830 (VCV000512830.20), dbSNP rs761799688, ClinGen allele CA2004151.
Genomic context (GRCh38, chr2:178,759,043, plus strand): 5'-CCTTCCAGACTCAGGTTGGCTGTGCTTGATACTTGGCCTACAGCATTACTAGCAACAAAC[G>A]TGTAAGTTCCTTCATCTTCTGGATAAGCTTCGGCAATTTCCAGTTGATAAGTGTCTTCAA-3'
Protein context (NP_001254479.2, residues 3405-3425): EAYPEDEGTY[Thr3415Met]FVASNAVGQV

ClinVar aggregate classification (germline): Conflicting classifications of pathogenicity. Review status: criteria provided, conflicting classifications (1 of 4 stars). 6 submissions from 6 submitters: Uncertain significance (3); Likely benign (3). Last evaluated 2026-04-01.

Conditions:
Dilated cardiomyopathy 1G (CMD1G). Identifiers: Orphanet 154, MedGen C1858763, MONDO:0011400, OMIM 604145.
Autosomal recessive limb-girdle muscular dystrophy type 2J (LGMDR10). Also called: MUSCULAR DYSTROPHY, LIMB-GIRDLE, AUTOSOMAL RECESSIVE 10; Limb-girdle muscular dystrophy, type 2J. Identifiers: Orphanet 140922, MedGen C1837342, MONDO:0012127, OMIM 608807.

Allele frequency attached by ClinVar (database versions not stated): gnomAD 0.00002; gnomAD exomes 0.00003 and 0.00016; TOPMed 0.00007; ExAC 0.00015.
gnomAD v4.1: 47 of 1,613,848 alleles (0.0029%); highest among the groups gnomAD compares: Admixed American, 0.063%; no homozygotes.

Submissions (6):

CeGaT Center for Human Genetics Tuebingen
Classification: Uncertain significance. Last evaluated: 2026-04-01. Review status: criteria provided, single submitter. Criteria: CeGaT Center For Human Genetics Tuebingen Variant Classification Criteria Version 2. Collection method: clinical testing. Allele origin: germline. Affected: yes. Observed: 1 variant allele.

Labcorp Genetics (formerly Invitae), Labcorp
Classification: Likely benign for Dilated cardiomyopathy 1G; Autosomal recessive limb-girdle muscular dystrophy type 2J. Last evaluated: 2026-01-27. Review status: criteria provided, single submitter. Criteria: Invitae Variant Classification Sherloc (09022015). Collection method: clinical testing. Allele origin: germline.

Dasa
Classification: Uncertain significance. Last evaluated: 2024-07-06. Review status: criteria provided, single submitter. Criteria: DASA Assertion Criteria. Collection method: clinical testing. Allele origin: germline.
Comment: NM_001267550.2(TTN):c.10244C>T (p.Thr3415Met) is a missense variant that results in the substitution of threonine with methionine. This variant is rare in population databases. The currently available literature and clinical evidence are not sufficient to establish a definitive association between this variant and the reported condition. Therefore, this variant is classified as a variant of uncertain significance.

Revvity Omics, Revvity
Classification: Uncertain significance. Last evaluated: 2023-10-19. Review status: criteria provided, single submitter. Criteria: ACMG Guidelines, 2015. Collection method: clinical testing. Allele origin: germline.

Blueprint Genetics
Classification: Likely benign. Last evaluated: 2019-12-12. Review status: criteria provided, single submitter. Criteria: ACMG Guidelines, 2015. Collection method: clinical testing. Allele origin: germline.

GeneDx
Classification: Likely benign. Last evaluated: 2018-10-31. Review status: criteria provided, single submitter. Criteria: GeneDx Variant Classification Process June 2021. Collection method: clinical testing. Allele origin: germline. Affected: yes.